The following is an entry in ClinVar:

ClinVar aggregate classification (germline): Pathogenic (1 of 4 stars; one submission).

Submission:

Labcorp Genetics (formerly Invitae), Labcorp
Classification: Pathogenic. Last evaluated: 2022-06-14. Review status: criteria provided, single submitter. Criteria: Invitae Variant Classification Sherloc (09022015). Collection method: clinical testing. Allele origin: germline.
Comment: This sequence change creates a premature translational stop signal (p.Cys598*) in the CACNA1F gene. It is expected to result in an absent or disrupted protein product. Loss-of-function variants in CACNA1F are known to be pathogenic (PMID: 9662399, 11281458, 17525176, 22194652, 24124559, 26992781). This variant is not present in population databases (gnomAD no frequency). This premature translational stop signal has been observed in individual(s) with clinical features of congenital stationary night blindness (PMID: 25307992). This variant is also known as c.1761C>A (p.Cys587*). For these reasons, this variant has been classified as Pathogenic.

Literature cited by the submitters: PubMed 9662399; PubMed 11281458; PubMed 17525176; PubMed 22194652; PubMed 24124559; PubMed 26992781; PubMed 25307992.

NM_001256789.3(CACNA1F):c.1761C>A (p.Cys587Ter)

Gene: CACNA1F (calcium voltage-gated channel subunit alpha1 F; minus strand). Cytogenetic location: Xp11.23.
Variant type: single nucleotide variant.
Coding change: c.1761C>A on transcript NM_001256789.3 (MANE Select); coding-DNA position 1761, C replaced by A.
Protein change: p.Cys587Ter; replaces cysteine 587 with a stop codon.
Molecular consequence: nonsense.
Genome position (GRCh38, 1-based): chrX:49,224,877, G>T on the plus strand (C>A on the coding strand, the complement: CACNA1F is on the minus strand). VCF-style: chrX-49224877-G-T. GRCh37 (hg19) VCF-style: chrX-49081339-G-T.
Other names: c.1599C>A, p.Cys533Ter (NM_001256790.3); c.1794C>A, p.Cys598Ter (NM_005183.4); short protein forms C598*, C533*, C587*.
Identifiers: ClinVar variation 2138577 (VCV002138577.4), dbSNP rs2065808409, ClinGen allele CA412914895.
Genomic context (GRCh38, chrX:49,224,877, plus strand): 5'-GGGCTGCATGGCACCCACCTCCACCAAGGTGGTCTCTAGGATGCCCCCACAGACCACAAA[G>T]CAGTCAAAGCGGTTGAAGAAGGAAGACACATAGGCAGAGGGGCCCAGACCGTACAATTTG-3'